The following is an entry in ClinVar:

ClinVar aggregate classification (germline): Uncertain significance (1 of 4 stars; one submission).

Conditions:
Fanconi anemia (FA). Also called: Fanconi's anemia. Identifiers: Orphanet 84, MedGen C0015625, MeSH D005199, MONDO:0019391.

Allele frequency attached by ClinVar (database versions not stated): gnomAD exomes below 0.00001.
gnomAD v4.1: 5 of 1,614,166 alleles (0.00031%); highest among the groups gnomAD compares: African/African-American, 0.0027%; no homozygotes.

Submission:

Labcorp Genetics (formerly Invitae), Labcorp
Classification: Uncertain significance for Fanconi anemia. Last evaluated: 2022-09-27. Review status: criteria provided, single submitter. Criteria: Invitae Variant Classification Sherloc (09022015). Collection method: clinical testing. Allele origin: germline.
Comment: This variant is not present in population databases (gnomAD no frequency). This sequence change replaces proline, which is neutral and non-polar, with serine, which is neutral and polar, at codon 1526 of the SLX4 protein (p.Pro1526Ser). This variant has not been reported in the literature in individuals affected with SLX4-related conditions. Algorithms developed to predict the effect of missense changes on protein structure and function output the following: SIFT: "Deleterious"; PolyPhen-2: "Possibly Damaging"; Align-GVGD: "Class C0". The serine amino acid residue is found in multiple mammalian species, which suggests that this missense change does not adversely affect protein function. In summary, the available evidence is currently insufficient to determine the role of this variant in disease. Therefore, it has been classified as a Variant of Uncertain Significance.

NM_032444.4(SLX4):c.4576C>T (p.Pro1526Ser)

Gene: SLX4 (SLX4 structure-specific endonuclease subunit; minus strand). Cytogenetic location: 16p13.3.
Variant type: single nucleotide variant.
Coding change: c.4576C>T on transcript NM_032444.4 (MANE Select); coding-DNA position 4576, C replaced by T.
Protein change: p.Pro1526Ser; replaces proline 1526 with serine.
Molecular consequence: missense variant.
Genome position (GRCh38, 1-based): chr16:3,589,062, G>A on the plus strand (C>T on the coding strand, the complement: SLX4 is on the minus strand). VCF-style: chr16-3589062-G-A. GRCh37 (hg19) VCF-style: chr16-3639063-G-A.
Other names: short protein forms P1526S.
Identifiers: ClinVar variation 2164591 (VCV002164591.4), dbSNP rs111866205, ClinGen allele CA276958029.